The following is an entry in ClinVar:

ClinVar aggregate classification (germline): Likely benign. Review status: criteria provided, multiple submitters, no conflicts (2 of 4 stars). 4 submissions from 4 submitters: Likely benign (2). 2 of the submissions do not count toward it. Last evaluated 2025-01-15.

Conditions:
Joubert syndrome. Also called: JOUBERT-BOLTSHAUSER SYNDROME; Familial aplasia of the vermis. Identifiers: Orphanet 475, MedGen C5979921, MONDO:0018772.
RPGRIP1L-related disorder. Also called: RPGRIP1L-related disorders; RPGRIP1L-related condition. Identifiers: MedGen CN239416.
COACH syndrome 3. Identifiers: MedGen C5436841, MONDO:0030862, OMIM 619113.
Meckel syndrome, type 5 (MKS5). Identifiers: Orphanet 564, MedGen C1969052, MONDO:0012695, OMIM 611561.
Joubert syndrome 7 (JBTS7). Identifiers: Orphanet 220497, MedGen C1969053, MONDO:0012694, OMIM 611560.
Meckel-Gruber syndrome. Also called: Dysencephalia splachnocystica; DYSENCEPHALIA SPLANCHNOCYSTICA; GRUBER SYNDROME. Identifiers: Orphanet 564, MedGen C0265215, MONDO:0018921.

Allele frequency attached by ClinVar (database versions not stated): gnomAD exomes below 0.00001.
gnomAD v4.1: 2 of 1,613,112 alleles (0.00012%); highest among the groups gnomAD compares: Non-Finnish European, 0.000085%; no homozygotes.

Submissions (4):

Labcorp Genetics (formerly Invitae), Labcorp
Classification: Likely benign for Joubert syndrome; Meckel-Gruber syndrome. Last evaluated: 2025-01-15. Review status: criteria provided, single submitter. Criteria: Invitae Variant Classification Sherloc (09022015). Collection method: clinical testing. Allele origin: germline.

Fulgent Genetics
Classification: Likely benign for Joubert syndrome 7; Meckel syndrome, type 5; COACH syndrome 3. Last evaluated: 2021-11-11. Review status: criteria provided, single submitter. Criteria: ACMG Guidelines, 2015. Collection method: clinical testing. Allele origin: unknown.

PreventionGenetics, part of Exact Sciences
Classification: Likely benign for RPGRIP1L-related condition. Last evaluated: 2021-06-24. Review status: no assertion criteria provided. Collection method: clinical testing. Allele origin: germline. Not counted in ClinVar's aggregate classification.
Comment: This variant is classified as likely benign based on ACMG/AMP sequence variant interpretation guidelines (Richards et al. 2015 PMID: 25741868, with internal and published modifications).

Natera, Inc.
Classification: Uncertain significance for Joubert syndrome. Last evaluated: 2020-04-24. Review status: no assertion criteria provided. Collection method: clinical testing. Allele origin: germline. Not counted in ClinVar's aggregate classification.

NM_015272.5(RPGRIP1L):c.999T>G (p.Ser333=)

Gene: RPGRIP1L (RPGRIP1 like; minus strand). Cytogenetic location: 16q12.2.
Variant type: single nucleotide variant.
Coding change: c.999T>G on transcript NM_015272.5 (MANE Select); coding-DNA position 999, T replaced by G.
Protein change: p.Ser333=; no amino-acid change (serine 333 retained).
Molecular consequence: synonymous variant.
Genome position (GRCh38, 1-based): chr16:53,672,900, A>C on the plus strand (T>G on the coding strand, the complement: RPGRIP1L is on the minus strand). VCF-style: chr16-53672900-A-C. GRCh37 (hg19) VCF-style: chr16-53706812-A-C.
Other names: c.999T>G, p.Ser333= (NM_001127897.4, NM_001308334.3, NM_001330538.2); c.999T>G (NM_015272.4).
Identifiers: ClinVar variation 992040 (VCV000992040.11), dbSNP rs1022259426, ClinGen allele CA281355809.